The following is an entry in ClinVar:

NM_007118.4(TRIO):c.7569_7572del (p.Asp2524fs)

Gene: TRIO (trio Rho guanine nucleotide exchange factor; plus strand). Cytogenetic location: 5p15.2.
Variant type: Deletion.
Coding change: c.7569_7572del on transcript NM_007118.4 (MANE Select); coding-DNA positions 7569 to 7572, 4 bases deleted (TGAC; older notation c.7569_7572delTGAC).
Protein change: p.Asp2524fs; shifts the reading frame from aspartic acid 2524.
Molecular consequence: frameshift variant.
Genome position (GRCh38, 1-based): chr5:14,488,197-14,488,200, TGAC deleted; deleting any 4 consecutive bases within chr5:14,488,195-14,488,200 gives the same sequence; the c. name uses the placement nearest the transcript's 3' end. VCF-style (leftmost placement, unchanged base first): chr5-14488194-TACTG-T. GRCh37 (hg19) VCF-style: chr5-14488303-TACTG-T.
Other names: short protein forms D2524fs.
Identifiers: ClinVar variation 4879399 (VCV004879399.2).

ClinVar aggregate classification (germline): Pathogenic (1 of 4 stars; one submission).

Conditions:
Intellectual developmental disorder, autosomal dominant 44, with microcephaly. Also called: Micrognathia-recurrent infections-behavioral abnormalities-mild intellectual disability syndrome; TRIO-Related Intellectual Disability. Identifiers: Orphanet 476126, MedGen C4310740, MONDO:0014892, OMIM 617061.

Submission:

Institute of Human Genetics, University of Leipzig Medical Center
Classification: Pathogenic for Intellectual developmental disorder, autosomal dominant 44, with microcephaly. Last evaluated: 2026-06-15. Review status: criteria provided, single submitter. Criteria: ACMG Guidelines, 2015. Collection method: clinical testing. Allele origin: maternal. Inheritance: Autosomal dominant inheritance. Affected: yes.
Comment: Criteria applied: PVS1,PM2